The following is an entry in ClinVar:

ClinVar aggregate classification (germline): Uncertain significance. Review status: criteria provided, multiple submitters, no conflicts (2 of 4 stars). 3 submissions from 3 submitters: Uncertain significance (3). Last evaluated 2026-03-09.

Conditions:
Hereditary cancer-predisposing syndrome. Also called: Neoplastic Syndromes, Hereditary; Hereditary Cancer Syndrome; Tumor predisposition; Hereditary neoplastic syndrome. Identifiers: Orphanet 140162, MedGen C0027672, MeSH D009386, MONDO:0015356.
POT1-related disorder. Also called: POT1-related condition.
Tumor predisposition syndrome 3 (TPDS3). Also called: Melanoma, cutaneous malignant, susceptibility to, 10; Glioma susceptibility 9; LONG TELOMERE SYNDROME, POT1-RELATED; POT1 Tumor Predisposition. Identifiers: Orphanet 618, MedGen C4014476, MONDO:0014368, OMIM 615848.

Allele frequency attached by ClinVar (database versions not stated): gnomAD 0.00001.

Submissions (3):

PreventionGenetics, part of Exact Sciences
Classification: Uncertain significance for POT1-related condition. Last evaluated: 2026-03-09. Review status: criteria provided, single submitter. Criteria: ACMG Guidelines, 2015. Collection method: clinical testing. Allele origin: germline.
Comment: The POT1 c.657C>A variant is predicted to result in the amino acid substitution p.Asp219Glu. To our knowledge, this variant has not been reported in the literature or in a large population database (gnomAD), indicating this variant is rare. At this time, the clinical significance of this variant is uncertain due to the absence of conclusive functional and genetic evidence.

Labcorp Genetics (formerly Invitae), Labcorp
Classification: Uncertain significance for Tumor predisposition syndrome 3. Last evaluated: 2026-01-26. Review status: criteria provided, single submitter. Criteria: Invitae Variant Classification Sherloc (09022015). Collection method: clinical testing. Allele origin: germline.
Comment: This sequence change replaces aspartic acid, which is acidic and polar, with glutamic acid, which is acidic and polar, at codon 219 of the POT1 protein (p.Asp219Glu). This variant is not present in population databases (gnomAD no frequency). This variant has not been reported in the literature in individuals affected with POT1-related conditions. ClinVar contains an entry for this variant (Variation ID: 943965). Invitae Evidence Modeling of protein sequence and biophysical properties (such as structural, functional, and spatial information, amino acid conservation, physicochemical variation, residue mobility, and thermodynamic stability) indicates that this missense variant is not expected to disrupt POT1 protein function with a negative predictive value of 80%. In summary, the available evidence is currently insufficient to determine the role of this variant in disease. Therefore, it has been classified as a Variant of Uncertain Significance.

Ambry Genetics
Classification: Uncertain significance for Hereditary cancer-predisposing syndrome. Last evaluated: 2024-11-25. Review status: criteria provided, single submitter. Criteria: Ambry Variant Classification Scheme 2023. Collection method: clinical testing. Allele origin: germline.
Comment: The p.D219E variant (also known as c.657C>A), located in coding exon 5 of the POT1 gene, results from a C to A substitution at nucleotide position 657. The aspartic acid at codon 219 is replaced by glutamic acid, an amino acid with highly similar properties. This amino acid position is highly conserved in available vertebrate species. In addition, the in silico prediction for this alteration is inconclusive. Since supporting evidence is limited at this time, the clinical significance of this alteration remains unclear.

NM_015450.3(POT1):c.657C>A (p.Asp219Glu)

Gene: POT1 (protection of telomeres 1; minus strand). Cytogenetic location: 7q31.33.
Variant type: single nucleotide variant.
Coding change: c.657C>A on transcript NM_015450.3 (MANE Select); coding-DNA position 657, C replaced by A.
Protein change: p.Asp219Glu; replaces aspartic acid 219 with glutamic acid.
Molecular consequence: missense variant. On other transcripts: non-coding transcript variant (3).
Genome position (GRCh38, 1-based): chr7:124,859,002, G>T on the plus strand (C>A on the coding strand, the complement: POT1 is on the minus strand). VCF-style: chr7-124859002-G-T. GRCh37 (hg19) VCF-style: chr7-124499056-G-T.
Other names: c.264C>A, p.Asp88Glu (NM_001042594.2); short protein forms D219E, D88E.
Identifiers: ClinVar variation 943965 (VCV000943965.14), dbSNP rs1795515779, ClinGen allele CA369056196.
Genomic context (GRCh38, chr7:124,859,002, plus strand): 5'-CCTACTATACATCACCTTCAGAGATCTTGCCACATGAACATGGTTATCGTAGACTAAAAT[G>T]TCTATTGTCAGATTTTGTAGCCGATGGATGTGACTTAAATCACCTTCAAGAACAAGGTCT-3'
Protein context (NP_056265.2, residues 209-229): HIHRLQNLTI[Asp219Glu]ILVYDNHVHV